The following is an entry in ClinVar:

ClinVar aggregate classification (germline): Uncertain significance (1 of 4 stars; one submission).

Conditions:
Werner syndrome (WRN). Identifiers: Orphanet 902, MedGen C0043119, MONDO:0010196, OMIM 277700.

Allele frequency attached by ClinVar (database versions not stated): gnomAD exomes below 0.00001; TOPMed below 0.00001.
gnomAD v4.1: 1 of 1,613,928 alleles (0.000062%); highest among the groups gnomAD compares: Non-Finnish European, 0.000085%; no homozygotes.

Submission:

Labcorp Genetics (formerly Invitae), Labcorp
Classification: Uncertain significance for Werner syndrome. Last evaluated: 2025-11-10. Review status: criteria provided, single submitter. Criteria: Invitae Variant Classification Sherloc (09022015). Collection method: clinical testing. Allele origin: germline.
Comment: This sequence change replaces arginine, which is basic and polar, with serine, which is neutral and polar, at codon 685 of the WRN protein (p.Arg685Ser). This variant is present in population databases (no rsID available, gnomAD 0.007%). This variant has not been reported in the literature in individuals affected with WRN-related conditions. ClinVar contains an entry for this variant (Variation ID: 1060451). An algorithm developed to predict the effect of missense changes on protein structure and function (PolyPhen-2) suggests that this variant is likely to be disruptive. RNA analysis performed to evaluate the impact of this missense change on mRNA splicing indicates it does not significantly alter splicing (internal data). In summary, the available evidence is currently insufficient to determine the role of this variant in disease. Therefore, it has been classified as a Variant of Uncertain Significance.

NM_000553.6(WRN):c.2055G>T (p.Arg685Ser)

Gene: WRN (WRN RecQ like helicase; plus strand). Cytogenetic location: 8p12.
Variant type: single nucleotide variant.
Coding change: c.2055G>T on transcript NM_000553.6 (MANE Select); coding-DNA position 2055, G replaced by T.
Protein change: p.Arg685Ser; replaces arginine 685 with serine.
Molecular consequence: missense variant.
Genome position (GRCh38, 1-based): chr8:31,100,922, G>T. VCF-style: chr8-31100922-G-T. GRCh37 (hg19) VCF-style: chr8-30958438-G-T.
Other names: short protein forms R685S.
Identifiers: ClinVar variation 1060451 (VCV001060451.5), dbSNP rs1397209481, ClinGen allele CA370908778.